The following is an entry in ClinVar:

ClinVar aggregate classification (germline): Uncertain significance (1 of 4 stars; one submission).

Submission:

CeGaT Center for Human Genetics Tuebingen
Classification: Uncertain significance. Last evaluated: 2024-02-01. Review status: criteria provided, single submitter. Criteria: CeGaT Center For Human Genetics Tuebingen Variant Classification Criteria Version 2. Collection method: clinical testing. Allele origin: germline. Affected: yes. Observed: 1 variant allele.
Comment: USH2A: PM2, PM3:Supporting, PP3

NM_206933.4(USH2A):c.3157+3_3157+5delinsTAA

Genes: USH2A (usherin; minus strand), USH2A-AS1 (USH2A antisense RNA 1; plus strand). Cytogenetic location: 1q41.
Variant type: Indel.
Coding change: c.3157+3_3157+5delinsTAA on transcript NM_206933.4 (MANE Select); bases 3 to 5 of the intron after coding-DNA position 3157, AAG replaced by TAA.
Molecular consequence: intron variant.
Genome position (GRCh38, 1-based): chr1:216,217,382-216,217,384, CTT replaced by TTA on the plus strand (AAG replaced by TAA on the coding strand, the reverse complement: USH2A is on the minus strand). VCF-style: chr1-216217382-CTT-TTA. GRCh37 (hg19) VCF-style: chr1-216390724-CTT-TTA.
Other names: c.3157+3_3157+5delinsTAA (NM_007123.6).
Identifiers: ClinVar variation 3027386 (VCV003027386.22), dbSNP rs2528087313, ClinGen allele CA2740090315.